The following is an entry in ClinVar:

NM_000283.4(PDE6B):c.286A>G (p.Met96Val)

Gene: PDE6B (phosphodiesterase 6B; plus strand). Cytogenetic location: 4p16.3.
Variant type: single nucleotide variant.
Coding change: c.286A>G on transcript NM_000283.4 (MANE Select); coding-DNA position 286, A replaced by G.
Protein change: p.Met96Val; replaces methionine 96 with valine.
Molecular consequence: missense variant.
Genome position (GRCh38, 1-based): chr4:625,912, A>G. VCF-style: chr4-625912-A-G. GRCh37 (hg19) VCF-style: chr4-619701-A-G.
Other names: c.286A>G, p.Met96Val (NM_001145291.2); c.286A>G (NM_000283.3); short protein forms M96V.
Identifiers: ClinVar variation 1930501 (VCV001930501.7), dbSNP rs1240778339, ClinGen allele CA355906679.

ClinVar aggregate classification (germline): Uncertain significance. Review status: criteria provided, multiple submitters, no conflicts (2 of 4 stars). 3 submissions from 3 submitters: Uncertain significance (3). Last evaluated 2025-02-28.

Conditions:
Inborn genetic diseases. Identifiers: MedGen C0950123, MeSH D030342.

Allele frequency attached by ClinVar (database versions not stated): gnomAD 0.00001; TOPMed 0.00001.
gnomAD v4.1: 15 of 1,602,424 alleles (0.00094%); highest among the groups gnomAD compares: Non-Finnish European, 0.0012%; no homozygotes.

Submissions (3):

Labcorp Genetics (formerly Invitae), Labcorp
Classification: Uncertain significance. Last evaluated: 2025-02-28. Review status: criteria provided, single submitter. Criteria: Invitae Variant Classification Sherloc (09022015). Collection method: clinical testing. Allele origin: germline.
Comment: This sequence change replaces methionine, which is neutral and non-polar, with valine, which is neutral and non-polar, at codon 96 of the PDE6B protein (p.Met96Val). The frequency data for this variant in the population databases is considered unreliable, as metrics indicate poor data quality at this position in the gnomAD database. This variant has not been reported in the literature in individuals affected with PDE6B-related conditions. ClinVar contains an entry for this variant (Variation ID: 1930501). Invitae Evidence Modeling of protein sequence and biophysical properties (such as structural, functional, and spatial information, amino acid conservation, physicochemical variation, residue mobility, and thermodynamic stability) indicates that this missense variant is not expected to disrupt PDE6B protein function with a negative predictive value of 80%. In summary, the available evidence is currently insufficient to determine the role of this variant in disease. Therefore, it has been classified as a Variant of Uncertain Significance.

Ambry Genetics
Classification: Uncertain significance for Inborn genetic diseases. Last evaluated: 2023-10-14. Review status: criteria provided, single submitter. Criteria: Ambry Variant Classification Scheme 2023. Collection method: clinical testing. Allele origin: germline.

Blueprint Genetics
Classification: Uncertain significance. Last evaluated: 2022-12-02. Review status: criteria provided, single submitter. Criteria: ACMG Guidelines, 2015. Collection method: clinical testing. Allele origin: germline.